The following is an entry in ClinVar:

ClinVar aggregate classification (germline): Uncertain significance (1 of 4 stars; one submission).

Conditions:
Cardiovascular phenotype. Identifiers: MedGen CN230736.

Submission:

Ambry Genetics
Classification: Uncertain significance for Cardiovascular phenotype. Last evaluated: 2025-05-03. Review status: criteria provided, single submitter. Criteria: Ambry Variant Classification Scheme 2023. Collection method: clinical testing. Allele origin: germline.
Comment: The p.S3526F variant (also known as c.10577C>T), located in coding exon 2 of the ZNF469 gene, results from a C to T substitution at nucleotide position 10577. The serine at codon 3526 is replaced by phenylalanine, an amino acid with highly dissimilar properties. This amino acid position is conserved. In addition, this alteration is predicted to be tolerated by in silico analysis. Based on the available evidence, the clinical significance of this variant remains unclear.

NM_001367624.2(ZNF469):c.10661C>T (p.Ser3554Phe)

Gene: ZNF469 (zinc finger protein 469; plus strand). Cytogenetic location: 16q24.2.
Variant type: single nucleotide variant.
Coding change: c.10661C>T on transcript NM_001367624.2 (MANE Select); coding-DNA position 10661, C replaced by T.
Protein change: p.Ser3554Phe; replaces serine 3554 with phenylalanine.
Molecular consequence: missense variant.
Genome position (GRCh38, 1-based): chr16:88,438,131, C>T. VCF-style: chr16-88438131-C-T. GRCh37 (hg19) VCF-style: chr16-88504539-C-T.
Other names: NM_001127464.1:c.10577C>T; short protein forms S3554F.
Identifiers: ClinVar variation 3987336 (VCV003987336.1).